The following is an entry in ClinVar:

NM_001205293.3(CACNA1E):c.1363G>A (p.Val455Ile)

Gene: CACNA1E (calcium voltage-gated channel subunit alpha1 E; plus strand). Cytogenetic location: 1q25.3.
Variant type: single nucleotide variant.
Coding change: c.1363G>A on transcript NM_001205293.3 (MANE Select); coding-DNA position 1363, G replaced by A.
Protein change: p.Val455Ile; replaces valine 455 with isoleucine.
Molecular consequence: missense variant.
Genome position (GRCh38, 1-based): chr1:181,717,140, G>A. VCF-style: chr1-181717140-G-A. GRCh37 (hg19) VCF-style: chr1-181686276-G-A.
Other names: c.1363G>A, p.Val455Ile (NM_000721.4, NM_001205294.2); c.1363G>A (NM_000721.3); short protein forms V455I.
Identifiers: ClinVar variation 2968613 (VCV002968613.4), dbSNP rs1370314260, ClinGen allele CA343624840.

ClinVar aggregate classification (germline): Uncertain significance. Review status: criteria provided, multiple submitters, no conflicts (2 of 4 stars). 2 submissions from 2 submitters: Uncertain significance (2). Last evaluated 2024-04-26.

Submissions (2):

GeneDx
Classification: Uncertain significance. Last evaluated: 2024-04-26. Review status: criteria provided, single submitter. Criteria: GeneDx Variant Classification Process June 2021. Collection method: clinical testing. Allele origin: germline. Affected: yes.
Comment: Not observed at significant frequency in large population cohorts (gnomAD); In silico analysis indicates that this missense variant does not alter protein structure/function; Has not been previously published as pathogenic or benign to our knowledge

Labcorp Genetics (formerly Invitae), Labcorp
Classification: Uncertain significance. Last evaluated: 2023-10-28. Review status: criteria provided, single submitter. Criteria: Invitae Variant Classification Sherloc (09022015). Collection method: clinical testing. Allele origin: germline.
Comment: This sequence change replaces valine, which is neutral and non-polar, with isoleucine, which is neutral and non-polar, at codon 455 of the CACNA1E protein (p.Val455Ile). This variant is not present in population databases (gnomAD no frequency). This variant has not been reported in the literature in individuals affected with CACNA1E-related conditions. Advanced modeling of protein sequence and biophysical properties (such as structural, functional, and spatial information, amino acid conservation, physicochemical variation, residue mobility, and thermodynamic stability) performed at Invitae indicates that this missense variant is not expected to disrupt CACNA1E protein function with a negative predictive value of 95%. In summary, the available evidence is currently insufficient to determine the role of this variant in disease. Therefore, it has been classified as a Variant of Uncertain Significance.